The following is an entry in ClinVar:

ClinVar aggregate classification (germline): Likely pathogenic (1 of 4 stars; one submission).

Allele frequency attached by ClinVar (database versions not stated): gnomAD exomes below 0.00001; TOPMed below 0.00001; gnomAD 0.00001.
gnomAD v4.1: 2 of 1,611,312 alleles (0.00012%); highest among the groups gnomAD compares: Non-Finnish European, 0.00017%; no homozygotes.

Submission:

Labcorp Genetics (formerly Invitae), Labcorp
Classification: Likely pathogenic. Last evaluated: 2021-08-29. Review status: criteria provided, single submitter. Criteria: Invitae Variant Classification Sherloc (09022015). Collection method: clinical testing. Allele origin: germline.
Comment: In summary, the currently available evidence indicates that the variant is pathogenic, but additional data are needed to prove that conclusively. Therefore, this variant has been classified as Likely Pathogenic. Algorithms developed to predict the effect of sequence changes on RNA splicing suggest that this variant may disrupt the consensus splice site. This variant has not been reported in the literature in individuals affected with RARS2-related conditions. This variant is not present in population databases (ExAC no frequency). This sequence change affects an acceptor splice site in intron 18 of the RARS2 gene. It is expected to disrupt RNA splicing. Variants that disrupt the donor or acceptor splice site typically lead to a loss of protein function (PMID: 16199547), and loss-of-function variants in RARS2 are known to be pathogenic (PMID: 17847012, 22569581, 26083569).

Literature cited by the submitters: PubMed 16199547; PubMed 17847012; PubMed 22569581; PubMed 26083569.

NM_020320.5(RARS2):c.1587-1G>C

Gene: RARS2 (arginyl-tRNA synthetase 2, mitochondrial; minus strand). Cytogenetic location: 6q15.
Variant type: single nucleotide variant.
Coding change: c.1587-1G>C on transcript NM_020320.5 (MANE Select); the canonical splice acceptor site of the intron before coding-DNA position 1587, G replaced by C.
Molecular consequence: splice acceptor variant.
Genome position (GRCh38, 1-based): chr6:87,515,021, C>G on the plus strand (G>C on the coding strand, the complement: RARS2 is on the minus strand). VCF-style: chr6-87515021-C-G. GRCh37 (hg19) VCF-style: chr6-88224739-C-G.
Other names: c.1062-1G>C (NM_001350509.2, NM_001318785.2, NM_001350506.2 and 4 more transcripts); c.1587-1G>C (NM_001350505.2).
Identifiers: ClinVar variation 1478449 (VCV001478449.6), dbSNP rs1253353417, ClinGen allele CA364918681.